The following is an entry in ClinVar:

ClinVar aggregate classification (germline): Uncertain significance (1 of 4 stars; one submission).

Conditions:
LEPR-related disorder. Also called: LEPR-related condition; LEPR-related disorders.

Submission:

PreventionGenetics, part of Exact Sciences
Classification: Uncertain significance for LEPR-related condition. Last evaluated: 2026-06-02. Review status: criteria provided, single submitter. Criteria: ACMG Guidelines, 2015. Collection method: clinical testing. Allele origin: germline.
Comment: The LEPR c.698A>T variant is predicted to result in the amino acid substitution p.Asn233Ile. To our knowledge, this variant has not been reported in the literature or in a large population database (gnomAD), indicating this variant is rare. At this time, the clinical significance of this variant is uncertain due to the absence of conclusive functional and genetic evidence.

NM_002303.6(LEPR):c.698A>T (p.Asn233Ile)

Gene: LEPR (leptin receptor; plus strand). Cytogenetic location: 1p31.3.
Variant type: single nucleotide variant.
Coding change: c.698A>T on transcript NM_002303.6 (MANE Select); coding-DNA position 698, A replaced by T.
Protein change: p.Asn233Ile; replaces asparagine 233 with isoleucine.
Molecular consequence: missense variant.
Genome position (GRCh38, 1-based): chr1:65,592,860, A>T. VCF-style: chr1-65592860-A-T. GRCh37 (hg19) VCF-style: chr1-66058543-A-T.
Other names: c.698A>T, p.Asn233Ile (NM_001003679.3, NM_001003680.3, NM_001198687.2 and 2 more transcripts); short protein forms N233I.
Identifiers: ClinVar variation 4995286 (VCV004995286.1).